The following is an entry in ClinVar:

NM_001364171.2(ODAD1):c.2116C>T (p.Arg706Trp)

Gene: ODAD1 (outer dynein arm docking complex subunit 1; minus strand). Cytogenetic location: 19q13.33.
Variant type: single nucleotide variant.
Coding change: c.2116C>T on transcript NM_001364171.2 (MANE Select); coding-DNA position 2116, C replaced by T.
Protein change: p.Arg706Trp; replaces arginine 706 with tryptophan.
Molecular consequence: missense variant.
Genome position (GRCh38, 1-based): chr19:48,296,984, G>A on the plus strand (C>T on the coding strand, the complement: ODAD1 is on the minus strand). VCF-style: chr19-48296984-G-A. GRCh37 (hg19) VCF-style: chr19-48800241-G-A.
Other names: c.2005C>T, p.Arg669Trp (NM_144577.4); c.2005C>T (NM_144577.3); short protein forms R669W, R706W.
Identifiers: ClinVar variation 1682849 (VCV001682849.8), dbSNP rs200369693, ClinGen allele CA9548473.

ClinVar aggregate classification (germline): Uncertain significance. Review status: criteria provided, multiple submitters, no conflicts (2 of 4 stars). 2 submissions from 2 submitters: Uncertain significance (2). Last evaluated 2024-01-23.

Conditions:
Primary ciliary dyskinesia. Also called: Ciliary dyskinesia. Identifiers: Orphanet 244, MedGen C0008780, MONDO:0016575, HP:0012265.

Allele frequency attached by ClinVar (database versions not stated): gnomAD exomes 0.00003; ExAC 0.00004; gnomAD 0.00004 and 0.00005; TOPMed 0.00004; 1000 Genomes Project 30x 0.00016; 1000 Genomes Project 0.00020.
gnomAD v4.1: 48 of 1,600,920 alleles (0.003%); highest among the groups gnomAD compares: Middle Eastern, 0.021%; 1 homozygote.

Submissions (2):

Ambry Genetics
Classification: Uncertain significance for Primary ciliary dyskinesia. Last evaluated: 2024-01-23. Review status: criteria provided, single submitter. Criteria: Ambry Variant Classification Scheme 2023. Collection method: clinical testing. Allele origin: germline.

Labcorp Genetics (formerly Invitae), Labcorp
Classification: Uncertain significance for Primary ciliary dyskinesia. Last evaluated: 2021-12-27. Review status: criteria provided, single submitter. Criteria: Invitae Variant Classification Sherloc (09022015). Collection method: clinical testing. Allele origin: germline.
Comment: In summary, the available evidence is currently insufficient to determine the role of this variant in disease. Therefore, it has been classified as a Variant of Uncertain Significance. This sequence change replaces arginine, which is basic and polar, with tryptophan, which is neutral and slightly polar, at codon 669 of the CCDC114 protein (p.Arg669Trp). This variant is present in population databases (rs200369693, gnomAD 0.02%). This variant has not been reported in the literature in individuals affected with CCDC114-related conditions. Algorithms developed to predict the effect of missense changes on protein structure and function are either unavailable or do not agree on the potential impact of this missense change (SIFT: "Deleterious"; PolyPhen-2: "Possibly Damaging"; Align-GVGD: "Class C0").